The following is an entry in ClinVar:

NM_000419.5(ITGA2B):c.1563T>A (p.Cys521Ter)

Gene: ITGA2B (integrin subunit alpha 2b; minus strand). Cytogenetic location: 17q21.31.
Variant type: single nucleotide variant.
Coding change: c.1563T>A on transcript NM_000419.5 (MANE Select); coding-DNA position 1563, T replaced by A.
Protein change: p.Cys521Ter; replaces cysteine 521 with a stop codon.
Molecular consequence: nonsense.
Genome position (GRCh38, 1-based): chr17:44,380,283, A>T on the plus strand (T>A on the coding strand, the complement: ITGA2B is on the minus strand). VCF-style: chr17-44380283-A-T. GRCh37 (hg19) VCF-style: chr17-42457651-A-T.
Other names: NM_000419.5:c.1563T>A; short protein forms C521*.
Identifiers: ClinVar variation 1879034 (VCV001879034.2), dbSNP rs74857210, ClinGen allele CA290950094.

ClinVar aggregate classification (germline): Likely pathogenic (3 of 4 stars; one submission).

Conditions:
Glanzmann thrombasthenia. Also called: PLATELET GLYCOPROTEIN IIb-IIIa DEFICIENCY; BLEEDING DISORDER, PLATELET-TYPE, 2; THROMBASTHENIA OF GLANZMANN AND NAEGELI; Thrombasthenia; Glanzmann's thrombasthenia. Identifiers: Orphanet 849, MedGen C0040015, MONDO:0100326.

Submission:

ClinGen Platelet Disorders Variant Curation Expert Panel, ClinGen
Classification: Likely pathogenic for Glanzmann thrombasthenia. Last evaluated: 2025-04-15. Review status: reviewed by expert panel. Criteria: ClinGen Platelet ACMG Specifications v2-1. Collection method: curation. Allele origin: germline. Inheritance: Autosomal recessive inheritance.
Comment: The NM_000419.5(ITGA2B):c.1563T>A (p.Cys521Ter) nonsense variant in exon 16/30 is predicted to lead to nonsense mediated decay in a gene in which loss-of-function is an established disease mechanism (PVS1). This variant is absent from gnomAD v4.1 (PM2_Supporting). In summary this variant meets criteria to be classified as likely pathogenic for autosomal recessive Glanzmann Thrombasthenia based on the ACMG/AMP criteria applied, as specified by the ClinGen PD VCEP: PVS1, PM2_supporting. (VCEP specifications version 2.1)